The following is an entry in ClinVar:

ClinVar aggregate classification (germline): Uncertain significance. Review status: criteria provided, multiple submitters, no conflicts (2 of 4 stars). 8 submissions from 8 submitters: Uncertain significance (8). Last evaluated 2026-08-13.

Conditions:
Myofibrillar myopathy 5. Also called: Filaminopathy (type); FILAMINOPATHY, AUTOSOMAL DOMINANT. Identifiers: Orphanet 171445, MedGen C1836050, MONDO:0012289, OMIM 609524.
Hypertrophic cardiomyopathy 26. Also called: Cardiomyopathy, familial hypertrophic, 26. Identifiers: Orphanet 75249, MedGen C4310749, MONDO:0014883, OMIM 617047.
Distal myopathy with posterior leg and anterior hand involvement. Also called: WILLIAMS DISTAL MYOPATHY. Identifiers: Orphanet 63273, MedGen C3279722, MONDO:0013550, OMIM 614065.
FLNC-related disorder. Also called: FLNC-related disorders; FLNC-related condition.
Cardiovascular phenotype. Identifiers: MedGen CN230736.

Allele frequency attached by ClinVar (database versions not stated): gnomAD exomes 0.00001; TOPMed 0.00002; ExAC 0.00001; gnomAD 0.00001.
gnomAD v4.1: 35 of 1,613,032 alleles (0.0022%); highest among the groups gnomAD compares: Non-Finnish European, 0.0026%; no homozygotes.

Submissions (8):

PreventionGenetics, part of Exact Sciences
Classification: Uncertain significance for FLNC-related condition. Last evaluated: 2026-08-13. Review status: criteria provided, single submitter. Criteria: ACMG Guidelines, 2015. Collection method: clinical testing. Allele origin: germline.
Comment: The FLNC c.6200G>A variant is predicted to result in the amino acid substitution p.Arg2067His. This variant was reported in an individual with hypertrophic cardiomyopathy (Earle et al. 2024. PubMed ID: 38456273). This variant is reported in 0.0033% of alleles in individuals of South Asian descent in gnomAD. At this time, the clinical significance of this variant is uncertain due to the absence of conclusive functional and genetic evidence.

Labcorp Genetics (formerly Invitae), Labcorp
Classification: Uncertain significance for Distal myopathy with posterior leg and anterior hand involvement; Myofibrillar myopathy 5; Hypertrophic cardiomyopathy 26. Last evaluated: 2025-11-13. Review status: criteria provided, single submitter. Criteria: Invitae Variant Classification Sherloc (09022015). Collection method: clinical testing. Allele origin: germline.
Comment: This sequence change replaces arginine, which is basic and polar, with histidine, which is basic and polar, at codon 2067 of the FLNC protein (p.Arg2067His). This variant is present in population databases (rs776520014, gnomAD 0.003%). This missense change has been observed in individual(s) with hypertrophic cardiomyopathy (PMID: 38456273). ClinVar contains an entry for this variant (Variation ID: 450439). Invitae Evidence Modeling of protein sequence and biophysical properties (such as structural, functional, and spatial information, amino acid conservation, physicochemical variation, residue mobility, and thermodynamic stability) has been performed for this missense variant. However, the output from this modeling did not meet the statistical confidence thresholds required to predict the impact of this variant on FLNC protein function. In summary, the available evidence is currently insufficient to determine the role of this variant in disease. Therefore, it has been classified as a Variant of Uncertain Significance.

CeGaT Center for Human Genetics Tuebingen
Classification: Uncertain significance. Last evaluated: 2025-11-01. Review status: criteria provided, single submitter. Criteria: CeGaT Center For Human Genetics Tuebingen Variant Classification Criteria Version 2. Collection method: clinical testing. Allele origin: germline. Affected: yes. Observed: 1 variant allele.
Comment: FLNC: PP3

Revvity Omics, Revvity
Classification: Uncertain significance. Last evaluated: 2024-07-10. Review status: criteria provided, single submitter. Criteria: ACMG Guidelines, 2015. Collection method: clinical testing. Allele origin: germline.

Ambry Genetics
Classification: Uncertain significance for Cardiovascular phenotype. Last evaluated: 2023-10-08. Review status: criteria provided, single submitter. Criteria: Ambry Variant Classification Scheme 2023. Collection method: clinical testing. Allele origin: germline.
Comment: The p.R2067H variant (also known as c.6200G>A), located in coding exon 37 of the FLNC gene, results from a G to A substitution at nucleotide position 6200. The arginine at codon 2067 is replaced by histidine, an amino acid with highly similar properties. This amino acid position is conserved. In addition, this alteration is predicted to be deleterious by in silico analysis. Since supporting evidence is limited at this time, the clinical significance of this alteration remains unclear.

Blueprint Genetics
Classification: Uncertain significance. Last evaluated: 2020-10-13. Review status: criteria provided, single submitter. Criteria: ACMG Guidelines, 2015. Collection method: clinical testing. Allele origin: germline.

Foundation for Research in Genetics and Endocrinology, FRIGE's Institute of Human Genetics
Classification: Uncertain significance for Myofibrillar myopathy 5. Last evaluated: 2019-06-19. Review status: criteria provided, single submitter. Criteria: ACMG Guidelines, 2015. Collection method: clinical testing. Allele origin: germline. Inheritance: Autosomal dominant inheritance. Affected: yes. Observed: 1 heterozygote.
Comment: A heterozygous variant c.6200G>A (p.Arg2067His) in exon 37 has been observed in FLNC gene. The variant has not been reported in the 1000 genomes and has a minor allele frequency of 0.0008% and 0.005% in the ExAC. The in-silico prediction of the variant is possibly damaging by PolyPhen-2 (HumDiv) and damaging by SIFT, LRT and MutationTaster2. In summary, the said variant meets our criteria to be classified as variant of uncertain significance based on the mode of inheritance, in silico prediction and allele frequency in population databases.

GeneDx
Classification: Uncertain significance. Last evaluated: 2018-01-25. Review status: criteria provided, single submitter. Criteria: GeneDx Variant Classification (06012015). Collection method: clinical testing. Allele origin: germline. Affected: yes.
Comment: The R2067H variant has not been published as a pathogenic variant, nor has it been reported as a benign variant to our knowledge. The R2067H variant is not observed at a significant frequency in large population cohorts (Lek et al., 2016; 1000 Genomes Consortium et al., 2015; Exome Variant Server). This variant is a conservative amino acid substitution, which is not likely to impact secondary protein structure as these residues share similar properties. However, this substitution occurs at a position that is conserved across species, and in silico analysis predicts this variant is probably damaging to the protein structure/function.

Literature cited by the submitters: PubMed 38456273 (cited by Labcorp Genetics (formerly Invitae), Labcorp).

NM_001458.5(FLNC):c.6200G>A (p.Arg2067His)

Genes: FLNC (filamin C; plus strand), FLNC-AS1 (FLNC antisense RNA 1; minus strand). Cytogenetic location: 7q32.1.
Variant type: single nucleotide variant.
Coding change: c.6200G>A on transcript NM_001458.5 (MANE Select); coding-DNA position 6200, G replaced by A.
Protein change: p.Arg2067His; replaces arginine 2067 with histidine.
Molecular consequence: missense variant.
Genome position (GRCh38, 1-based): chr7:128,853,023, G>A. VCF-style: chr7-128853023-G-A. GRCh37 (hg19) VCF-style: chr7-128493077-G-A.
Other names: c.6101G>A, p.Arg2034His (NM_001127487.2); short protein forms R2067H, R2034H.
Identifiers: ClinVar variation 450439 (VCV000450439.22), dbSNP rs776520014, ClinGen allele CA4475905.